The following is an entry in ClinVar:

ClinVar aggregate classification (germline): Uncertain significance. Review status: criteria provided, multiple submitters, no conflicts (2 of 4 stars). 2 submissions from 2 submitters: Uncertain significance (2). Last evaluated 2019-09-05.

gnomAD v4.1: 4 of 1,361,136 alleles (0.00029%); highest among the groups gnomAD compares: Non-Finnish European, 0.00038%; no homozygotes.

Submissions (2):

GeneDx
Classification: Uncertain significance. Last evaluated: 2019-09-05. Review status: criteria provided, single submitter. Criteria: GeneDx Variant Classification Process June 2021. Collection method: clinical testing. Allele origin: germline. Affected: yes.
Comment: Not observed in large population cohorts (Lek et al., 2016); In silico analysis, which includes protein predictors and evolutionary conservation, supports a deleterious effect; Has not been previously published as pathogenic or benign to our knowledge

Laboratorio de Genetica e Diagnostico Molecular, Hospital Israelita Albert Einstein
Classification: Uncertain significance. Last evaluated: 2019-06-05. Review status: criteria provided, single submitter. Criteria: ACMG Guidelines, 2015. Collection method: clinical testing. Allele origin: germline. Affected: yes.
Comment: ACMG classification criteria: PM2

NM_020928.2(ZSWIM6):c.653G>A (p.Cys218Tyr)

Gene: ZSWIM6 (zinc finger SWIM-type containing 6; plus strand). Cytogenetic location: 5q12.1.
Variant type: single nucleotide variant.
Coding change: c.653G>A on transcript NM_020928.2 (MANE Select); coding-DNA position 653, G replaced by A.
Protein change: p.Cys218Tyr; replaces cysteine 218 with tyrosine.
Molecular consequence: missense variant.
Genome position (GRCh38, 1-based): chr5:61,332,925, G>A. VCF-style: chr5-61332925-G-A. GRCh37 (hg19) VCF-style: chr5-60628752-G-A.
Other names: short protein forms C218Y.
Identifiers: ClinVar variation 1200697 (VCV001200697.5), dbSNP rs1398459382, ClinGen allele CA359941152.